The following is an entry in ClinVar:

NM_004168.4(SDHA):c.597G>A (p.Ser199=)

Gene: SDHA (succinate dehydrogenase complex flavoprotein subunit A; plus strand). Cytogenetic location: 5p15.33.
Variant type: single nucleotide variant.
Coding change: c.597G>A on transcript NM_004168.4 (MANE Select); coding-DNA position 597, G replaced by A.
Protein change: p.Ser199=; no amino-acid change (serine 199 retained).
Molecular consequence: synonymous variant.
Genome position (GRCh38, 1-based): chr5:226,023, G>A. VCF-style: chr5-226023-G-A. GRCh37 (hg19) VCF-style: chr5-226138-G-A.
Other names: c.453G>A, p.Ser151= (NM_001294332.2); c.597G>A, p.Ser199= (NM_001330758.2).
Identifiers: ClinVar variation 417242 (VCV000417242.21), dbSNP rs141874250, ClinGen allele CA3172886.

ClinVar aggregate classification (germline): Benign/Likely benign. Review status: criteria provided, multiple submitters, no conflicts (2 of 4 stars). 6 submissions from 6 submitters: Benign (2); Likely benign (4). Last evaluated 2025-12-26.

Conditions:
Pheochromocytoma/paraganglioma syndrome 5. Also called: SDHA-Related Hereditary Paraganglioma-Pheochromocytoma Syndrome; Paragangliomas 5. Identifiers: Orphanet 29072, MedGen C3279992, MONDO:0013602, OMIM 614165.
Mitochondrial complex II deficiency, nuclear type 1. Also called: SUCCINATE CoQ REDUCTASE DEFICIENCY. Identifiers: Orphanet 3208, MedGen C5700310, MONDO:0100294, OMIM 252011.
Hereditary cancer-predisposing syndrome. Also called: Tumor predisposition; Hereditary Cancer Syndrome; Hereditary neoplastic syndrome; Neoplastic Syndromes, Hereditary. Identifiers: Orphanet 140162, MedGen C0027672, MeSH D009386, MONDO:0015356.

Allele frequency attached by ClinVar (database versions not stated): gnomAD 0.00002 and 0.00003; gnomAD exomes 0.00003 and 0.00004; TOPMed 0.00003; ExAC 0.00005; ESP Exome Variant Server 0.00008; 1000 Genomes Project 30x 0.00016; 1000 Genomes Project 0.00020.
gnomAD v4.1: 48 of 1,614,162 alleles (0.003%); highest among the groups gnomAD compares: Middle Eastern, 0.033%; no homozygotes.

Submissions (6):

Labcorp Genetics (formerly Invitae), Labcorp
Classification: Likely benign for Pheochromocytoma/paraganglioma syndrome 5; Mitochondrial complex II deficiency, nuclear type 1. Last evaluated: 2025-12-26. Review status: criteria provided, single submitter. Criteria: Invitae Variant Classification Sherloc (09022015). Collection method: clinical testing. Allele origin: germline.

Myriad Genetics, Inc.
Classification: Benign for Pheochromocytoma/paraganglioma syndrome 5. Last evaluated: 2025-03-03. Review status: criteria provided, single submitter. Criteria: Myriad Autosomal Dominant, Autosomal Recessive and X-Linked Classification Criteria (2023). Collection method: clinical testing. Allele origin: unknown.
Comment: This variant is considered benign. This variant is a silent/synonymous amino acid change and it is not expected to impact splicing.

Quest Diagnostics Nichols Institute San Juan Capistrano
Classification: Likely benign. Last evaluated: 2025-01-08. Review status: criteria provided, single submitter. Criteria: Quest Diagnostics criteria. Collection method: clinical testing. Allele origin: unknown.

Blueprint Genetics
Classification: Likely benign. Last evaluated: 2024-02-14. Review status: criteria provided, single submitter. Criteria: ACMG Guidelines, 2015. Collection method: clinical testing. Allele origin: germline.

Sema4
Classification: Benign for Hereditary cancer-predisposing syndrome. Last evaluated: 2021-10-04. Review status: criteria provided, single submitter. Criteria: Sema4 Curation Guidelines. Collection method: curation. Allele origin: germline.

Ambry Genetics
Classification: Likely benign for Hereditary cancer-predisposing syndrome. Last evaluated: 2016-10-31. Review status: criteria provided, single submitter. Criteria: Ambry Variant Classification Scheme 2023. Collection method: clinical testing. Allele origin: germline.